The following is an entry in ClinVar:

NM_004408.4(DNM1):c.255C>A (p.His85Gln)

Genes: DNM1 (dynamin 1; plus strand), LOC113839516 (Sharpr-MPRA regulatory region 8497; plus strand). Cytogenetic location: 9q34.11.
Variant type: single nucleotide variant.
Coding change: c.255C>A on transcript NM_004408.4 (MANE Select); coding-DNA position 255, C replaced by A.
Protein change: p.His85Gln; replaces histidine 85 with glutamine.
Molecular consequence: missense variant.
Genome position (GRCh38, 1-based): chr9:128,218,601, C>A. VCF-style: chr9-128218601-C-A. GRCh37 (hg19) VCF-style: chr9-130980880-C-A.
Other names: c.255C>A, p.His85Gln (NM_001288738.2, NM_001288739.2, NM_001374269.1 and 2 more transcripts); short protein forms H85Q.
Identifiers: ClinVar variation 5007389 (VCV005007389.2).
Genomic context (GRCh38, chr9:128,218,601, plus strand): 5'-CTTGATGCCTACTGCCCTTCCCCTGCCCGCTTCTGGAGCAGAATATGCCGAGTTCCTGCA[C>A]TGCAAGGGAAAGAAATTCACCGACTTCGAGGAGGTGCGCCTTGAGATCGAGGCCGAGACC-3'
Protein context (NP_004399.2, residues 75-95): NATTEYAEFL[His85Gln]CKGKKFTDFE

ClinVar aggregate classification (germline): Uncertain significance (1 of 4 stars; one submission).

Conditions:
Developmental and epileptic encephalopathy, 31B. Also called: Developmental and epileptic encephalopathy 31B, autosomal recessive. Identifiers: MedGen C5830459, MONDO:0957248, OMIM 620352.
Developmental and epileptic encephalopathy, 31A. Also called: Epileptic encephalopathy, early infantile, 31; Developmental and epileptic encephalopathy, 31. Identifiers: Orphanet 2382, MedGen C4225357, MONDO:0014598, OMIM 616346.

Submission:

Juno Genomics, Hangzhou Juno Genomics, Inc
Classification: Uncertain significance for Developmental and epileptic encephalopathy, 31A; Developmental and epileptic encephalopathy, 31B. Review status: criteria provided, single submitter. Criteria: ACMG Guidelines, 2015. Collection method: clinical testing. Allele origin: germline.
Comment: Absent from controls (or at extremely low frequency if recessive) in Genome Aggregation Database.;Multiple lines of computational evidence support a deleterious effect on the gene or gene product.